The following is an entry in ClinVar:

ClinVar aggregate classification (germline): Pathogenic/Likely pathogenic. Review status: criteria provided, multiple submitters, no conflicts (2 of 4 stars). 3 submissions from 3 submitters: Pathogenic (2); Likely pathogenic (1). Last evaluated 2026-01-13.

Submissions (3):

Labcorp Genetics (formerly Invitae), Labcorp
Classification: Pathogenic. Last evaluated: 2026-01-13. Review status: criteria provided, single submitter. Criteria: Invitae Variant Classification Sherloc (09022015). Collection method: clinical testing. Allele origin: germline.
Comment: This sequence change creates a premature translational stop signal (p.Ala116Glyfs*22) in the HTRA2 gene. It is expected to result in an absent or disrupted protein product. Loss-of-function variants in HTRA2 are known to be pathogenic (PMID: 25531304, 27208207, 27696117). The frequency data for this variant in the population databases is considered unreliable, as metrics indicate poor data quality at this position in the gnomAD database. This premature translational stop signal has been observed in individual(s) with 3-methylglutaconic aciduria (PMID: 30114719). ClinVar contains an entry for this variant (Variation ID: 2049064). For these reasons, this variant has been classified as Pathogenic.

GeneDx
Classification: Likely pathogenic. Last evaluated: 2023-12-15. Review status: criteria provided, single submitter. Criteria: GeneDx Variant Classification Process June 2021. Collection method: clinical testing. Allele origin: germline. Affected: yes.
Comment: Frameshift variant predicted to result in protein truncation or nonsense mediated decay in a gene for which loss of function is a known mechanism of disease; This variant is associated with the following publications: (PMID: 25531304, 27208207, 27696117, 31692161, 30114719)

Mayo Clinic Laboratories, Mayo Clinic
Classification: Pathogenic. Last evaluated: 2022-07-25. Review status: criteria provided, single submitter. Criteria: ACMG Guidelines, 2015. Collection method: clinical testing. Allele origin: germline. Observed: 1 variant allele.
Comment: PP4, PM2, PVS1

Literature cited by the submitters: PubMed 25531304 (cited by Labcorp Genetics (formerly Invitae), Labcorp); PubMed 27208207 (cited by Labcorp Genetics (formerly Invitae), Labcorp); PubMed 27696117 (cited by Labcorp Genetics (formerly Invitae), Labcorp); PubMed 30114719 (cited by Labcorp Genetics (formerly Invitae), Labcorp and Mayo Clinic Laboratories, Mayo Clinic); PubMed 31692161 (cited by Mayo Clinic Laboratories, Mayo Clinic); PubMed 32445293 (cited by Mayo Clinic Laboratories, Mayo Clinic).

NM_013247.5(HTRA2):c.346dup (p.Ala116fs)

Gene: HTRA2 (HtrA serine peptidase 2; plus strand). Cytogenetic location: 2p13.1.
Variant type: Duplication.
Coding change: c.346dup on transcript NM_013247.5 (MANE Select); coding-DNA position 346, one base duplicated (G; older notation c.346dupG).
Protein change: p.Ala116fs; shifts the reading frame from alanine 116.
Molecular consequence: frameshift variant. On other transcripts: non-coding transcript variant (1).
Genome position (GRCh38, 1-based): chr2:74,530,352, G duplicated; the last of 7 consecutive G bases (chr2:74,530,346-74,530,352); duplicating any one gives the same sequence. VCF-style (leftmost placement, unchanged base first): chr2-74530345-T-TG. GRCh37 (hg19) VCF-style: chr2-74757472-T-TG.
Other names: p.Ala116Glyfs*22; c.346dup, p.Ala116fs (NM_001321727.1, NM_001321728.1, NM_145074.2); short protein forms A116fs.
Identifiers: ClinVar variation 2049064 (VCV002049064.7), dbSNP rs779457274, ClinGen allele CA1728330.
Genomic context (GRCh38, chr2:74,530,345, plus strand): 5'-GGAGGCCTCAGAGAACTCTGGAACCCGTTCGCGCGCGTGGCTGGCGGTGGCGCTGGGCGC[T>TG]GGGGGGGCAGTGCTGTTGTTGTTGTGGGGCGGGGGTCGGGGTCCTCCGGCCGTCCTCGCC-3'